The following is an entry in ClinVar:

NM_033641.4(COL4A6):c.3823G>C (p.Ala1275Pro)

Gene: COL4A6 (collagen type IV alpha 6 chain; minus strand). Cytogenetic location: Xq22.3.
Variant type: single nucleotide variant.
Coding change: c.3823G>C on transcript NM_033641.4 (MANE Select); coding-DNA position 3823, G replaced by C.
Protein change: p.Ala1275Pro; replaces alanine 1275 with proline.
Molecular consequence: missense variant.
Genome position (GRCh38, 1-based): chrX:108,165,024, C>G on the plus strand (G>C on the coding strand, the complement: COL4A6 is on the minus strand). VCF-style: chrX-108165024-C-G. GRCh37 (hg19) VCF-style: chrX-107408254-C-G.
Other names: c.3826G>C (NM_001847.2); c.3874G>C, p.Ala1292Pro (NM_001287758.2); c.3751G>C, p.Ala1251Pro (NM_001287759.2, NM_001287760.2); c.3826G>C, p.Ala1276Pro (NM_001847.4); short protein forms A1276P, A1292P, A1275P, A1251P.
Identifiers: ClinVar variation 1386645 (VCV001386645.9), dbSNP rs113329155, ClinGen allele CA10487314.

ClinVar aggregate classification (germline): Conflicting classifications of pathogenicity. Review status: criteria provided, conflicting classifications (1 of 4 stars). 2 submissions from 2 submitters: Uncertain significance (1); Likely benign (1). Last evaluated 2025-06-12.

Allele frequency attached by ClinVar (database versions not stated): ESP Exome Variant Server 0.00019.
gnomAD v4.1: 39 of 1,204,399 alleles (0.0032%); highest among the groups gnomAD compares: African/African-American, 0.055%; no homozygotes.

Submissions (2):

Labcorp Genetics (formerly Invitae), Labcorp
Classification: Uncertain significance. Last evaluated: 2025-06-12. Review status: criteria provided, single submitter. Criteria: Invitae Variant Classification Sherloc (09022015). Collection method: clinical testing. Allele origin: germline.
Comment: This sequence change replaces alanine, which is neutral and non-polar, with proline, which is neutral and non-polar, at codon 1276 of the COL4A6 protein (p.Ala1276Pro). This variant is present in population databases (rs113329155, gnomAD 0.05%), and has an allele count higher than expected for a pathogenic variant. This variant has not been reported in the literature in individuals affected with COL4A6-related conditions. ClinVar contains an entry for this variant (Variation ID: 1386645). Invitae Evidence Modeling of protein sequence and biophysical properties (such as structural, functional, and spatial information, amino acid conservation, physicochemical variation, residue mobility, and thermodynamic stability) indicates that this missense variant is not expected to disrupt COL4A6 protein function with a negative predictive value of 80%. In summary, the available evidence is currently insufficient to determine the role of this variant in disease. Therefore, it has been classified as a Variant of Uncertain Significance.

Ambry Genetics
Classification: Likely benign. Last evaluated: 2022-02-11. Review status: criteria provided, single submitter. Criteria: Ambry Variant Classification Scheme 2023. Collection method: clinical testing. Allele origin: germline.